The following is an entry in ClinVar:

NM_003072.5(SMARCA4):c.3150C>A (p.Tyr1050Ter)

Gene: SMARCA4 (SWI/SNF related BAF chromatin remodeling complex subunit ATPase 4; plus strand). Cytogenetic location: 19p13.2.
Variant type: single nucleotide variant.
Coding change: c.3150C>A on transcript NM_003072.5 (MANE Select); coding-DNA position 3150, C replaced by A.
Protein change: p.Tyr1050Ter; replaces tyrosine 1050 with a stop codon.
Molecular consequence: nonsense. On other transcripts: non-coding transcript variant (1).
Genome position (GRCh38, 1-based): chr19:11,025,490, C>A. VCF-style: chr19-11025490-C-A. GRCh37 (hg19) VCF-style: chr19-11136166-C-A.
Other names: c.3150C>A, p.Tyr1050Ter (NM_001128844.3, NM_001128845.2, NM_001128846.2 and 6 more transcripts); short protein forms Y1050*.
Identifiers: ClinVar variation 2567138 (VCV002567138.5), dbSNP rs143160246, ClinGen allele CA404059284.
Genomic context (GRCh38, chr19:11,025,490, plus strand): 5'-CGGCACCAAGACCCTGATGAACACCATCATGCAGCTGCGGAAGATCTGCAACCACCCCTA[C>A]ATGTTCCAGCACATCGAGGTGAGCCCGCCGCGGCTGGGACGGCTCAGGCCCTGCTGTCTG-3'

ClinVar aggregate classification (germline): Pathogenic/Likely pathogenic. Review status: criteria provided, multiple submitters, no conflicts (2 of 4 stars). 3 submissions from 3 submitters: Pathogenic (2); Likely pathogenic (1). Last evaluated 2024-03-23.

Conditions:
Hereditary cancer-predisposing syndrome. Also called: Hereditary neoplastic syndrome; Hereditary Cancer Syndrome; Neoplastic Syndromes, Hereditary; Tumor predisposition. Identifiers: Orphanet 140162, MedGen C0027672, MeSH D009386, MONDO:0015356.
Rhabdoid tumor predisposition syndrome 2 (RTPS2). Identifiers: Orphanet 231108, Orphanet 69077, MedGen C2750074, MONDO:0013224, OMIM 613325.

Submissions (3):

Labcorp Genetics (formerly Invitae), Labcorp
Classification: Pathogenic for Rhabdoid tumor predisposition syndrome 2. Last evaluated: 2024-03-23. Review status: criteria provided, single submitter. Criteria: Invitae Variant Classification Sherloc (09022015). Collection method: clinical testing. Allele origin: germline.
Comment: This sequence change creates a premature translational stop signal (p.Tyr1050*) in the SMARCA4 gene. It is expected to result in an absent or disrupted protein product. Loss-of-function variants in SMARCA4 are known to be pathogenic (PMID: 24658001, 24658002). This variant is not present in population databases (gnomAD no frequency). This variant has not been reported in the literature in individuals affected with SMARCA4-related conditions. ClinVar contains an entry for this variant (Variation ID: 2567138). For these reasons, this variant has been classified as Pathogenic.

Institute for Genomic Medicine (IGM) Clinical Laboratory, Nationwide Children's Hospital
Classification: Likely pathogenic for Rhabdoid tumor predisposition syndrome 2. Last evaluated: 2024-02-20. Review status: criteria provided, single submitter. Criteria: ACMG Guidelines, 2015. Collection method: clinical testing. Allele origin: germline.
Comment: This variant is predicted to result in loss of function through nonsense-mediated decay of the encoded transcript or premature truncation of the encoded protein in a gene in which loss of function is a known mechanism of disease (ACMG/AMP: PVS1; PMIDs:33907931, 25060813, 20137775). This variant is absent from or present at an exceedingly low frequency in gnomAD, a large-scale control population database (ACMG/AMP: PM2).

Ambry Genetics
Classification: Pathogenic for Hereditary cancer-predisposing syndrome. Last evaluated: 2023-04-10. Review status: criteria provided, single submitter. Criteria: Ambry Variant Classification Scheme 2023. Collection method: clinical testing. Allele origin: germline.
Comment: The p.Y1050* pathogenic mutation (also known as c.3150C>A), located in coding exon 21 of the SMARCA4 gene, results from a C to A substitution at nucleotide position 3150. This changes the amino acid from a tyrosine to a stop codon within coding exon 21. This alteration is expected to result in loss of function by premature protein truncation or nonsense-mediated mRNA decay. Loss-of-function variants in SMARCA4 are known to cause rhabdoid tumor predisposition syndrome including small cell carcinoma of the ovary-hypercalcemic type (SCCOHT); however, such associations with neurodevelopmental disorders are exceedingly rare (Kosho T et al. Am J Med Genet C Semin Med Genet. 2014 Sep;166C(3):262-75; Jelinic P et al. Nat Genet. 2014 May;46(5):424-6). This variant is considered to be rare based on population cohorts in the Genome Aggregation Database (gnomAD). Based on the supporting evidence, this alteration is pathogenic for rhabdoid tumor predisposition syndrome; however, the association of this alteration with Coffin-Siris syndrome is unlikely.

Literature cited by the submitters: PubMed 24658001 (cited by Labcorp Genetics (formerly Invitae), Labcorp); PubMed 24658002 (cited by Labcorp Genetics (formerly Invitae), Labcorp); PubMed 33907931 (cited by Institute for Genomic Medicine (IGM) Clinical Laboratory, Nationwide Children's Hospital); PubMed 25060813 (cited by Institute for Genomic Medicine (IGM) Clinical Laboratory, Nationwide Children's Hospital); PubMed 20137775 (cited by Institute for Genomic Medicine (IGM) Clinical Laboratory, Nationwide Children's Hospital).